The following is an entry in ClinVar:

NM_001394372.1(BICRA):c.3348_3352del (p.Tyr1117fs)

Gene: BICRA (BRD4 interacting chromatin remodeling complex associated protein; plus strand). Cytogenetic location: 19q13.33.
Variant type: Deletion.
Coding change: c.3348_3352del on transcript NM_001394372.1 (MANE Select); coding-DNA positions 3348 to 3352, 5 bases deleted (CTACC; older notation c.3348_3352delCTACC).
Protein change: p.Tyr1117fs; shifts the reading frame from tyrosine 1117.
Molecular consequence: frameshift variant.
Genome position (GRCh38, 1-based): chr19:47,698,733-47,698,737, CTACC deleted; deleting any 5 consecutive bases within chr19:47,698,731-47,698,737 gives the same sequence; the c. name uses the placement nearest the transcript's 3' end. VCF-style (leftmost placement, unchanged base first): chr19-47698730-GCCCTA-G. GRCh37 (hg19) VCF-style: chr19-48201987-GCCCTA-G.
Other names: c.3348_3352del, p.Tyr1117fs (NM_015711.3); short protein forms Y1117fs.
Identifiers: ClinVar variation 1315805 (VCV001315805.2), dbSNP rs2123613010, ClinGen allele CA2573054797.

ClinVar aggregate classification (germline): Uncertain significance (1 of 4 stars; one submission).

Submission:

GeneDx
Classification: Uncertain significance. Last evaluated: 2019-09-25. Review status: criteria provided, single submitter. Criteria: GeneDx Variant Classification Process June 2021. Collection method: clinical testing. Allele origin: germline. Affected: yes.
Comment: Not observed in large population cohorts (Lek et al., 2016); Frameshift variant predicted to result in protein truncation or nonsense mediated decay in a gene for which loss-of-function is not a known mechanism of disease; Has not been previously published as pathogenic or benign to our knowledge; Variants in candidate genes are classified as variants of uncertain significance in accordance with ACMG guidelines (Richards et al., 2015)